The following is an entry in ClinVar:

ClinVar aggregate classification (germline): Uncertain significance (1 of 4 stars; one submission).

Conditions:
Encephalopathy, acute, infection-induced (herpes-specific), susceptibility to, 6. Also called: Herpes simplex encephalitis, susceptibility to, 4. Identifiers: Orphanet 1930, MedGen C3553869, MONDO:0013921, OMIM 614850.

Allele frequency attached by ClinVar (database versions not stated): ExAC 0.00001; gnomAD 0.00002; TOPMed 0.00003.

Submission:

Labcorp Genetics (formerly Invitae), Labcorp
Classification: Uncertain significance for Encephalopathy, acute, infection-induced (herpes-specific), susceptibility to, 6. Last evaluated: 2022-04-09. Review status: criteria provided, single submitter. Criteria: Invitae Variant Classification Sherloc (09022015). Collection method: clinical testing. Allele origin: germline.
Comment: This sequence change replaces asparagine, which is neutral and polar, with serine, which is neutral and polar, at codon 299 of the TICAM1 protein (p.Asn299Ser). This variant is present in population databases (rs757039942, gnomAD 0.005%). This variant has not been reported in the literature in individuals affected with TICAM1-related conditions. Algorithms developed to predict the effect of missense changes on protein structure and function (SIFT, PolyPhen-2, Align-GVGD) all suggest that this variant is likely to be tolerated. In summary, the available evidence is currently insufficient to determine the role of this variant in disease. Therefore, it has been classified as a Variant of Uncertain Significance.

NM_182919.4(TICAM1):c.896A>G (p.Asn299Ser)

Gene: TICAM1 (TIR domain containing adaptor molecule 1; minus strand). Cytogenetic location: 19p13.3.
Variant type: single nucleotide variant.
Coding change: c.896A>G on transcript NM_182919.4 (MANE Select); coding-DNA position 896, A replaced by G.
Protein change: p.Asn299Ser; replaces asparagine 299 with serine.
Molecular consequence: missense variant.
Genome position (GRCh38, 1-based): chr19:4,817,482, T>C on the plus strand (A>G on the coding strand, the complement: TICAM1 is on the minus strand). VCF-style: chr19-4817482-T-C. GRCh37 (hg19) VCF-style: chr19-4817494-T-C.
Other names: c.854A>G, p.Asn285Ser (NM_001385678.1); c.761A>G, p.Asn254Ser (NM_001385679.1); c.254A>G, p.Asn85Ser (NM_001385680.1); short protein forms N254S, N299S, N85S, N285S.
Identifiers: ClinVar variation 2082683 (VCV002082683.1), dbSNP rs757039942, ClinGen allele CA9105257.